The following is an entry in ClinVar:

NM_001113378.2(FANCI):c.3537T>C (p.Tyr1179=)

Gene: FANCI (FA complementation group I; plus strand). Cytogenetic location: 15q26.1.
Variant type: single nucleotide variant.
Coding change: c.3537T>C on transcript NM_001113378.2 (MANE Select); coding-DNA position 3537, T replaced by C.
Protein change: p.Tyr1179=; no amino-acid change (tyrosine 1179 retained).
Molecular consequence: synonymous variant.
Genome position (GRCh38, 1-based): chr15:89,306,194, T>C. VCF-style: chr15-89306194-T-C. GRCh37 (hg19) VCF-style: chr15-89849425-T-C.
Other names: c.3258T>C, p.Tyr1086= (NM_001376910.1); c.3537T>C, p.Tyr1179= (NM_001376911.1); c.3357T>C, p.Tyr1119= (NM_018193.3).
Identifiers: ClinVar variation 888030 (VCV000888030.19), dbSNP rs964069381, ClinGen allele CA274526117.

ClinVar aggregate classification (germline): Conflicting classifications of pathogenicity. Review status: criteria provided, conflicting classifications (1 of 4 stars). 3 submissions from 3 submitters: Uncertain significance (2); Likely benign (1). Last evaluated 2025-10-03.

Conditions:
Fanconi anemia (FA). Also called: Fanconi's anemia. Identifiers: Orphanet 84, MedGen C0015625, MeSH D005199, MONDO:0019391.
Fanconi anemia complementation group I (FANCI). Also called: FANCI-Related Fanconi Anemia. Identifiers: Orphanet 84, MedGen C1836861, MONDO:0012186, OMIM 609053.

Allele frequency attached by ClinVar (database versions not stated): gnomAD exomes 0.00001; gnomAD 0.00002 and 0.00003; TOPMed 0.00003.
gnomAD v4.1: 16 of 1,613,894 alleles (0.00099%); highest among the groups gnomAD compares: African/African-American, 0.0027%; no homozygotes.

Submissions (3):

Labcorp Genetics (formerly Invitae), Labcorp
Classification: Uncertain significance for Fanconi anemia. Last evaluated: 2025-10-03. Review status: criteria provided, single submitter. Criteria: Invitae Variant Classification Sherloc (09022015). Collection method: clinical testing. Allele origin: germline.
Comment: This sequence change affects codon 1179 of the FANCI mRNA. It is a 'silent' change, meaning that it does not change the encoded amino acid sequence of the FANCI protein. It affects a nucleotide within the consensus splice site. This variant is present in population databases (no rsID available, gnomAD 0.002%). This variant has not been reported in the literature in individuals affected with FANCI-related conditions. ClinVar contains an entry for this variant (Variation ID: 888030). Algorithms developed to predict the effect of sequence changes on RNA splicing suggest that this variant is not likely to affect RNA splicing. In summary, the available evidence is currently insufficient to determine the role of this variant in disease. Therefore, it has been classified as a Variant of Uncertain Significance.

CeGaT Center for Human Genetics Tuebingen
Classification: Likely benign. Last evaluated: 2024-10-01. Review status: criteria provided, single submitter. Criteria: CeGaT Center For Human Genetics Tuebingen Variant Classification Criteria Version 2. Collection method: clinical testing. Allele origin: germline. Affected: yes. Observed: 1 variant allele.
Comment: FANCI: BP4, BP7

Illumina Laboratory Services, Illumina
Classification: Uncertain significance for Fanconi anemia complementation group I. Last evaluated: 2018-01-12. Review status: criteria provided, single submitter. Criteria: ICSL Variant Classification Criteria 13 December 2019. Collection method: clinical testing. Allele origin: germline.